The following is an entry in ClinVar:

ClinVar aggregate classification (germline): Uncertain significance. Review status: criteria provided, multiple submitters, no conflicts (2 of 4 stars). 2 submissions from 2 submitters: Uncertain significance (2). Last evaluated 2022-12-15.

Conditions:
Autosomal recessive early-onset Parkinson disease 23. Identifiers: Orphanet 2828, MedGen C4225186, MONDO:0014796, OMIM 616840.

Allele frequency attached by ClinVar (database versions not stated): gnomAD 0.00004; gnomAD exomes 0.00004 and 0.00006; ExAC 0.00005; TOPMed 0.00006.
gnomAD v4.1: 73 of 1,613,006 alleles (0.0045%); highest among the groups gnomAD compares: Admixed American, 0.012%; no homozygotes.

Submissions (2):

Revvity Omics, Revvity
Classification: Uncertain significance for Autosomal recessive early-onset Parkinson disease 23. Last evaluated: 2022-12-15. Review status: criteria provided, single submitter. Criteria: ACMG Guidelines, 2015. Collection method: clinical testing. Allele origin: germline.

Baylor Genetics
Classification: Uncertain significance for Autosomal recessive early-onset Parkinson disease 23. Last evaluated: 2020-01-22. Review status: criteria provided, single submitter. Criteria: ACMG Guidelines, 2015. Collection method: clinical testing. Allele origin: unknown. Affected: yes.
Comment: This variant was determined to be of uncertain significance according to ACMG Guidelines, 2015 [PMID:25741868].

NM_020821.3(VPS13C):c.7274C>T (p.Thr2425Met)

Gene: VPS13C (vacuolar protein sorting 13 homolog C; minus strand). Cytogenetic location: 15q22.2.
Variant type: single nucleotide variant.
Coding change: c.7274C>T on transcript NM_020821.3 (MANE Select); coding-DNA position 7274, C replaced by T.
Protein change: p.Thr2425Met; replaces threonine 2425 with methionine.
Molecular consequence: missense variant.
Genome position (GRCh38, 1-based): chr15:61,920,270, G>A on the plus strand (C>T on the coding strand, the complement: VPS13C is on the minus strand). VCF-style: chr15-61920270-G-A. GRCh37 (hg19) VCF-style: chr15-62212469-G-A.
Other names: c.7274C>T, p.Thr2425Met (NM_001018088.3); c.7145C>T, p.Thr2382Met (NM_017684.5, NM_018080.4); short protein forms T2425M, T2382M.
Identifiers: ClinVar variation 1030584 (VCV001030584.4), dbSNP rs547200034, ClinGen allele CA7595306.